The following is an entry in ClinVar:

ClinVar aggregate classification (germline): Pathogenic. Review status: criteria provided, multiple submitters, no conflicts (2 of 4 stars). 10 submissions from 10 submitters: Pathogenic (6). 4 of the submissions do not count toward it. Last evaluated 2024-11-11.

Conditions:
Hereditary cancer-predisposing syndrome. Also called: Tumor predisposition; Hereditary Cancer Syndrome; Neoplastic Syndromes, Hereditary; Hereditary neoplastic syndrome. Identifiers: Orphanet 140162, MedGen C0027672, MeSH D009386, MONDO:0015356.
Familial cancer of breast. Also called: Hereditary breast cancer; hereditary breast carcinoma; BREAST CANCER, FAMILIAL. Identifiers: Orphanet 227535, MedGen C0346153, MONDO:0016419, OMIM 114480. Disease mechanism: loss of function.
Ataxia-telangiectasia syndrome (AT). Also called: Cerebello-oculocutaneous telangiectasia; Immunodeficiency with ataxia telangiectasia; Ataxia-telangiectasia, complementation group D; AT, COMPLEMENTATION GROUP C; Ataxia-telangiectasia, complementation group E; LOUIS-BAR SYNDROME. Identifiers: Orphanet 100, MedGen C0004135, MONDO:0008840, OMIM 208900.

Allele frequency attached by ClinVar (database versions not stated): gnomAD exomes below 0.00001.

Submissions (10):

Labcorp Genetics (formerly Invitae), Labcorp
Classification: Pathogenic for Ataxia-telangiectasia syndrome. Last evaluated: 2024-11-11. Review status: criteria provided, single submitter. Criteria: Invitae Variant Classification Sherloc (09022015). Collection method: clinical testing. Allele origin: germline.
Comment: This sequence change creates a premature translational stop signal (p.Asp841Ilefs*6) in the ATM gene. It is expected to result in an absent or disrupted protein product. Loss-of-function variants in ATM are known to be pathogenic (PMID: 23807571, 25614872). This variant is not present in population databases (gnomAD no frequency). This premature translational stop signal has been observed in individual(s) with ataxia-telangiectasia (PMID: 9792409). This variant is also known as 2519delG. ClinVar contains an entry for this variant (Variation ID: 453419). For these reasons, this variant has been classified as Pathogenic.

Centre of Medical Genetics, University Hospital Muenster
Classification: Pathogenic. Last evaluated: 2024-07-30. Review status: criteria provided, single submitter. Criteria: ACMG Guidelines, 2015. Collection method: clinical testing. Allele origin: unknown. Affected: yes. Observed: 1 variant allele, 1 heterozygote.
Comment: ACMG categories: PVS1,PM2_sup,PM3

Myriad Genetics, Inc.
Classification: Pathogenic for Familial cancer of breast. Last evaluated: 2024-01-18. Review status: criteria provided, single submitter. Criteria: Myriad Autosomal Dominant, Autosomal Recessive and X-Linked Classification Criteria (2023). Collection method: clinical testing. Allele origin: unknown.
Comment: This variant is considered pathogenic. This variant creates a frameshift predicted to result in premature protein truncation.

Ambry Genetics
Classification: Pathogenic for Hereditary cancer-predisposing syndrome. Last evaluated: 2023-09-26. Review status: criteria provided, single submitter. Criteria: Ambry Variant Classification Scheme 2023. Collection method: clinical testing. Allele origin: germline.
Comment: The c.2521delG variant, located in coding exon 16 of the ATM gene, results from a deletion of one nucleotide at nucleotide position 2521, causing a translational frameshift with a predicted alternate stop codon (p.D841Ifs*6). This alteration, referred to as c.2519delG, was identified in conjunction with a second ATM alteration in an individual with features of ataxia telangiectasia (Broeks A et al. Hum. Mutat., 1998;12:330-7). This variant has also been identified in at least one patient with a personal and family history of breast and/or ovarian cancer (Maxwell KN et al. Am. J. Hum. Genet., 2016 May;98:801-817). In addition to the clinical data presented in the literature, this alteration is expected to result in loss of function by premature protein truncation or nonsense-mediated mRNA decay. As such, this alteration is interpreted as a disease-causing mutation.

Color Diagnostics, LLC DBA Color Health
Classification: Pathogenic for Hereditary cancer-predisposing syndrome. Last evaluated: 2020-01-15. Review status: criteria provided, single submitter. Criteria: ACMG Guidelines, 2015. Collection method: clinical testing. Allele origin: germline.
Comment: This variant deletes 1 nucleotide in exon 17 of the ATM gene, creating a frameshift and premature translation stop signal. This variant is expected to result in an absent or non-functional protein product. This variant has not been identified in the general population by the Genome Aggregation Database (gnomAD). Loss of ATM function is a known mechanism of disease. Based on the available evidence, this variant is classified as Pathogenic.

Institute for Genomic Statistics and Bioinformatics, University Hospital Bonn
Classification: Pathogenic for Ataxia-telangiectasia syndrome. Review status: criteria provided, single submitter. Criteria: ACMG Guidelines, 2015. Collection method: clinical testing. Allele origin: germline. Inheritance: Autosomal recessive inheritance. Affected: yes. Observed: 1 compound heterozygote.
Comment: In the ATM gene (transcript: NM_000051) the heterozygous frame shift variant c.2521del; p.Asp841Ilefs*6 in exon 17 was detected. The germline variant leads to a shift in the reading frame and, after five incorrect amino acids, to a premature stop codon. This variant is not recorded in population-related databases. In the phenotype-related database LOVD it is listed once as pathogenic and once as a variant of unclear functional relevance, in HGMD it is classified as pathogenic and once as likely pathogenic and in ClinVar it is listed twice as pathogenic. The ACMG classification for this variant is: pathogenic (Class 5: PVS1, PM2, PM3, PP5).

Natera, Inc.
Classification: Pathogenic for Ataxia-telangiectasia. Last evaluated: 2020-09-16. Review status: no assertion criteria provided. Collection method: clinical testing. Allele origin: germline. Not counted in ClinVar's aggregate classification.

Clinical Genetics DNA and cytogenetics Diagnostics Lab, Erasmus MC, Erasmus Medical Center
Classification: Pathogenic. Review status: no assertion criteria provided. Collection method: clinical testing. Allele origin: germline. Affected: yes. Study: VKGL Data-share Consensus. Not counted in ClinVar's aggregate classification.

Clinical Genetics Laboratory, Department of Pathology, Netherlands Cancer Institute
Classification: Pathogenic. Review status: no assertion criteria provided. Collection method: clinical testing. Allele origin: germline. Affected: yes. Study: VKGL Data-share Consensus. Not counted in ClinVar's aggregate classification.

Genome Diagnostics Laboratory, Amsterdam University Medical Center
Classification: Pathogenic. Review status: no assertion criteria provided. Collection method: clinical testing. Allele origin: germline. Affected: yes. Study: VKGL Data-share Consensus. Not counted in ClinVar's aggregate classification.

Literature cited by the submitters: PubMed 23807571 (cited by Labcorp Genetics (formerly Invitae), Labcorp); PubMed 25614872 (cited by Labcorp Genetics (formerly Invitae), Labcorp); PubMed 9792409 (cited by Labcorp Genetics (formerly Invitae), Labcorp and Ambry Genetics); PubMed 27153395 (cited by Ambry Genetics).

NM_000051.4(ATM):c.2521del (p.Asp841fs)

Gene: ATM (ATM serine/threonine kinase; plus strand). Cytogenetic location: 11q22.3.
Variant type: Deletion.
Coding change: c.2521del on transcript NM_000051.4 (MANE Select); coding-DNA position 2521, one base deleted (G; older notation c.2521delG).
Protein change: p.Asp841fs; shifts the reading frame from aspartic acid 841.
Molecular consequence: frameshift variant.
Genome position (GRCh38, 1-based): chr11:108,267,225, G deleted. VCF-style (leftmost placement, unchanged base first): chr11-108267224-TG-T. GRCh37 (hg19) VCF-style: chr11-108137951-TG-T.
Other names: c.2521del, p.Asp841fs (NM_001351834.2); c.2521delG (NM_000051.3); short protein forms D841fs.
Identifiers: ClinVar variation 453419 (VCV000453419.25), dbSNP rs1175457710, ClinGen allele CA16622059.